The following is an entry in ClinVar:

NM_001130438.3(SPTAN1):c.7248C>T (p.Ser2416=)

Gene: SPTAN1 (spectrin alpha, non-erythrocytic 1; plus strand). Cytogenetic location: 9q34.11.
Variant type: single nucleotide variant.
Coding change: c.7248C>T on transcript NM_001130438.3 (MANE Select); coding-DNA position 7248, C replaced by T.
Protein change: p.Ser2416=; no amino-acid change (serine 2416 retained).
Molecular consequence: synonymous variant.
Genome position (GRCh38, 1-based): chr9:128,632,895, C>T. VCF-style: chr9-128632895-C-T. GRCh37 (hg19) VCF-style: chr9-131395174-C-T.
Other names: c.7173C>T, p.Ser2391= (NM_001195532.2); c.7311C>T, p.Ser2437= (NM_001363759.2); c.7188C>T, p.Ser2396= (NM_001363765.2); c.7233C>T, p.Ser2411= (NM_003127.4).
Identifiers: ClinVar variation 388528 (VCV000388528.14), dbSNP rs148984013, ClinGen allele CA5266041.

ClinVar aggregate classification (germline): Likely benign. Review status: criteria provided, multiple submitters, no conflicts (2 of 4 stars). 3 submissions from 3 submitters: Likely benign (2). 1 of the submissions does not count toward it. Last evaluated 2023-12-21.

Conditions:
SPTAN1-related disorder. Also called: SPTAN1-related condition; SPTAN1-related disorders.
Early-infantile DEE. Also called: Ohtahara syndrome; Early infantile epileptic encephalopathy; Early infantile epileptic encephalopathy with suppression bursts. Identifiers: Orphanet 1934, MedGen C0393706, MONDO:0800491.

Allele frequency attached by ClinVar (database versions not stated): gnomAD exomes 0.00002 and 0.00004; ExAC 0.00004; gnomAD 0.00004 and 0.00008; ESP Exome Variant Server 0.00008; TOPMed 0.00009; 1000 Genomes Project 0.00040; 1000 Genomes Project 30x 0.00047.
gnomAD v4.1: 45 of 1,613,848 alleles (0.0028%); highest among the groups gnomAD compares: African/African-American, 0.023%; no homozygotes.

Submissions (3):

Labcorp Genetics (formerly Invitae), Labcorp
Classification: Likely benign for Early-infantile DEE. Last evaluated: 2023-12-21. Review status: criteria provided, single submitter. Criteria: Invitae Variant Classification Sherloc (09022015). Collection method: clinical testing. Allele origin: germline.

GeneDx
Classification: Likely benign. Last evaluated: 2016-08-10. Review status: criteria provided, single submitter. Criteria: GeneDx Variant Classification (06012015). Collection method: clinical testing. Allele origin: germline. Affected: yes.
Comment: This variant is considered likely benign or benign based on one or more of the following criteria: it is a conservative change, it occurs at a poorly conserved position in the protein, it is predicted to be benign by multiple in silico algorithms, and/or has population frequency not consistent with disease.

PreventionGenetics, part of Exact Sciences
Classification: Likely benign for SPTAN1-related condition. Last evaluated: 2021-01-28. Review status: no assertion criteria provided. Collection method: clinical testing. Allele origin: germline. Not counted in ClinVar's aggregate classification.
Comment: This variant is classified as likely benign based on ACMG/AMP sequence variant interpretation guidelines (Richards et al. 2015 PMID: 25741868, with internal and published modifications).